The following is an entry in ClinVar:

ClinVar aggregate classification (germline): Benign. Review status: criteria provided, multiple submitters, no conflicts (2 of 4 stars). 7 submissions from 7 submitters: Benign (6). 1 of the submissions does not count toward it. Last evaluated 2026-02-03.

Conditions:
Congenital muscular dystrophy due to integrin alpha-7 deficiency. Also called: Congenital muscular dystrophy with integrin alpha-7 deficiency; Muscular dystrophy, congenital, due to ITGA7 deficiency; MYOPATHY, CONGENITAL, DUE TO INTEGRIN ALPHA-7 DEFICIENCY. Identifiers: Orphanet 34520, MedGen C2750786, MONDO:0013177, OMIM 613204.

Allele frequency attached by ClinVar (database versions not stated): gnomAD exomes 0.04095 and 0.04894; ExAC 0.04162; 1000 Genomes Project 0.04433; 1000 Genomes Project 30x 0.04497; gnomAD 0.04935 and 0.05018; TOPMed 0.04987; ESP Exome Variant Server 0.05244.
gnomAD v4.1: 79,033 of 1,613,858 alleles (4.9%); highest among the groups gnomAD compares: Middle Eastern, 7.6%; 2,174 homozygotes.

Submissions (7):

Labcorp Genetics (formerly Invitae), Labcorp
Classification: Benign for Congenital muscular dystrophy due to integrin alpha-7 deficiency. Last evaluated: 2026-02-03. Review status: criteria provided, single submitter. Criteria: Invitae Variant Classification Sherloc (09022015). Collection method: clinical testing. Allele origin: germline.

Athena Diagnostics
Classification: Benign. Last evaluated: 2021-02-08. Review status: criteria provided, single submitter. Criteria: Athena Diagnostics criteria. Collection method: clinical testing. Allele origin: unknown.

Mayo Clinic Laboratories, Mayo Clinic
Classification: Benign. Last evaluated: 2017-12-06. Review status: criteria provided, single submitter. Criteria: ACMG Guidelines, 2015. Collection method: clinical testing. Allele origin: germline. Observed: 71 variant alleles.

GeneDx
Classification: Benign. Last evaluated: 2016-02-26. Review status: criteria provided, single submitter. Criteria: GeneDx Variant Classification (06012015). Collection method: clinical testing. Allele origin: germline. Affected: yes.
Comment: This variant is considered likely benign or benign based on one or more of the following criteria: it is a conservative change, it occurs at a poorly conserved position in the protein, it is predicted to be benign by multiple in silico algorithms, and/or has population frequency not consistent with disease.

Breakthrough Genomics
Classification: Benign. Review status: criteria provided, single submitter. Criteria: ACMG Guidelines, 2015. Collection method: not provided. Allele origin: germline. Inheritance: Autosomal recessive inheritance. Affected: yes.

PreventionGenetics, part of Exact Sciences
Classification: Benign. Review status: criteria provided, single submitter. Criteria: ACMG Guidelines, 2015. Collection method: clinical testing. Allele origin: germline.

Genetic Services Laboratory, University of Chicago
Classification: Likely benign for AllHighlyPenetrant. Review status: no assertion criteria provided. Collection method: clinical testing. Allele origin: germline. Inheritance: Autosomal recessive inheritance. Not counted in ClinVar's aggregate classification.
Comment: Likely benign based on allele frequency in 1000 Genomes Project or ESP global frequency and its presence in a patient with a rare or unrelated disease phenotype. NOT Sanger confirmed.

NM_002206.3(ITGA7):c.3018C>G (p.Ser1006=)

Gene: ITGA7 (integrin subunit alpha 7; minus strand). Cytogenetic location: 12q13.2.
Variant type: single nucleotide variant.
Coding change: c.3018C>G on transcript NM_002206.3 (MANE Select); coding-DNA position 3018, C replaced by G.
Protein change: p.Ser1006=; no amino-acid change (serine 1006 retained).
Molecular consequence: synonymous variant.
Genome position (GRCh38, 1-based): chr12:55,688,241, G>C on the plus strand (C>G on the coding strand, the complement: ITGA7 is on the minus strand). VCF-style: chr12-55688241-G-C. GRCh37 (hg19) VCF-style: chr12-56082025-G-C.
Other names: p.Ser1006=; c.3030C>G, p.Ser1010= (NM_001144996.2); c.2739C>G, p.Ser913= (NM_001144997.2); c.2691C>G, p.Ser897= (NM_001367993.1); c.1674C>G, p.Ser558= (NM_001367994.1); c.3000C>G, p.Ser1000= (NM_001374465.1); c.3150C>G, p.Ser1050= (NM_001410977.1); c.3012C>G, p.Ser1004= (NM_001414029.1); and 6 more.
Identifiers: ClinVar variation 129294 (VCV000129294.19), dbSNP rs17117883, ClinGen allele CA153202.
Genomic context (GRCh38, chr12:55,688,241, plus strand): 5'-TCCCCCAACCCTGCAGCTCACCACTGTGGAGGCATCTCGGAGCATCAAGTTCTTTATGGA[G>C]GACTTCACTGTGATGTTGGCCCGGACAATCACTTCCAGGGACTTCACAGCTGAGTACTCC-3'
Protein context (NP_002197.2, residues 996-1016): VIVRANITVK[Ser1006=]SIKNLMLRDA